The following is an entry in ClinVar:

NM_022482.5(GZF1):c.432dup (p.Glu145fs)

Gene: GZF1 (GDNF inducible zinc finger protein 1; plus strand). Cytogenetic location: 20p11.21.
Variant type: Duplication.
Coding change: c.432dup on transcript NM_022482.5 (MANE Select); coding-DNA position 432, one base duplicated (A; older notation c.432dupA).
Protein change: p.Glu145fs; shifts the reading frame from glutamic acid 145.
Molecular consequence: frameshift variant.
Genome position (GRCh38, 1-based): chr20:23,364,815, A duplicated. VCF-style (leftmost placement, unchanged base first): chr20-23364814-C-CA. GRCh37 (hg19) VCF-style: chr20-23345451-C-CA.
Other names: c.432dup, p.Glu145fs (NM_001317012.2, NM_001317019.1); short protein forms E145fs.
Identifiers: ClinVar variation 4712846 (VCV004712846.1).

ClinVar aggregate classification (germline): Pathogenic (1 of 4 stars; one submission).

Submission:

Labcorp Genetics (formerly Invitae), Labcorp
Classification: Pathogenic. Last evaluated: 2025-02-20. Review status: criteria provided, single submitter. Criteria: Invitae Variant Classification Sherloc (09022015). Collection method: clinical testing. Allele origin: germline.
Comment: This sequence change creates a premature translational stop signal (p.Glu145Argfs*14) in the GZF1 gene. It is expected to result in an absent or disrupted protein product. Loss-of-function variants in GZF1 are known to be pathogenic (PMID: 28475863). This variant is not present in population databases (gnomAD no frequency). This variant has not been reported in the literature in individuals affected with GZF1-related conditions. For these reasons, this variant has been classified as Pathogenic.

Literature cited by the submitters: PubMed 28475863.